The following is an entry in ClinVar:

ClinVar aggregate classification (germline): Uncertain significance (1 of 4 stars; one submission).

Conditions:
Muscular dystrophy-dystroglycanopathy (congenital with brain and eye anomalies), type A, 7. Also called: WALKER-WARBURG SYNDROME OR MUSCLE-EYE-BRAIN DISEASE, ISPD-RELATED; Congenital muscular dystrophy-dystroglycanopathy with brain and eye anomalies, type A7. Identifiers: Orphanet 899, MedGen C3553330, MONDO:0013835, OMIM 614643.
Autosomal recessive limb-girdle muscular dystrophy type 2U. Also called: MUSCULAR DYSTROPHY, LIMB-GIRDLE, TYPE 2U; Muscular dystrophy-dystroglycanopathy (limb-girdle), type c, 7. Identifiers: Orphanet 352479, MedGen C5190987, MONDO:0014474, OMIM 616052.

Allele frequency attached by ClinVar (database versions not stated): TOPMed below 0.00001; gnomAD 0.00001; gnomAD exomes 0.00001.
gnomAD v4.1: 20 of 1,571,524 alleles (0.0013%); highest among the groups gnomAD compares: Non-Finnish European, 0.0017%; no homozygotes.

Submission:

Labcorp Genetics (formerly Invitae), Labcorp
Classification: Uncertain significance for Muscular dystrophy-dystroglycanopathy (congenital with brain and eye anomalies), type A, 7; Autosomal recessive limb-girdle muscular dystrophy type 2U. Last evaluated: 2021-12-28. Review status: criteria provided, single submitter. Criteria: Invitae Variant Classification Sherloc (09022015). Collection method: clinical testing. Allele origin: germline.
Comment: This sequence change replaces glutamic acid, which is acidic and polar, with glutamine, which is neutral and polar, at codon 303 of the ISPD protein (p.Glu303Gln). This variant is not present in population databases (gnomAD no frequency). This variant has not been reported in the literature in individuals affected with ISPD-related conditions. Algorithms developed to predict the effect of missense changes on protein structure and function output the following: SIFT: "Tolerated"; PolyPhen-2: "Benign"; Align-GVGD: "Class C0". The glutamine amino acid residue is found in multiple mammalian species, which suggests that this missense change does not adversely affect protein function. In summary, the available evidence is currently insufficient to determine the role of this variant in disease. Therefore, it has been classified as a Variant of Uncertain Significance.

NM_001101426.4(CRPPA):c.907G>C (p.Glu303Gln)

Gene: CRPPA (CDP-L-ribitol pyrophosphorylase A; minus strand). Cytogenetic location: 7p21.2.
Variant type: single nucleotide variant.
Coding change: c.907G>C on transcript NM_001101426.4 (MANE Select); coding-DNA position 907, G replaced by C.
Protein change: p.Glu303Gln; replaces glutamic acid 303 with glutamine.
Molecular consequence: missense variant. On other transcripts: non-coding transcript variant (1).
Genome position (GRCh38, 1-based): chr7:16,278,155, C>G on the plus strand (G>C on the coding strand, the complement: CRPPA is on the minus strand). VCF-style: chr7-16278155-C-G. GRCh37 (hg19) VCF-style: chr7-16317780-C-G.
Other names: c.757G>C, p.Glu253Gln (NM_001101417.4); c.802G>C, p.Glu268Gln (NM_001368197.1); short protein forms E303Q, E253Q, E268Q.
Identifiers: ClinVar variation 2059962 (VCV002059962.3), dbSNP rs991704762, ClinGen allele CA154748084.